The following is an entry in ClinVar:

NM_017491.5(WDR1):c.1399G>A (p.Gly467Ser)

Gene: WDR1 (WD repeat domain 1; minus strand). Cytogenetic location: 4p16.1.
Variant type: single nucleotide variant.
Coding change: c.1399G>A on transcript NM_017491.5 (MANE Select); coding-DNA position 1399, G replaced by A.
Protein change: p.Gly467Ser; replaces glycine 467 with serine.
Molecular consequence: missense variant.
Genome position (GRCh38, 1-based): chr4:10,077,923, C>T on the plus strand (G>A on the coding strand, the complement: WDR1 is on the minus strand). VCF-style: chr4-10077923-C-T. GRCh37 (hg19) VCF-style: chr4-10079547-C-T.
Other names: c.979G>A, p.Gly327Ser (NM_005112.5); short protein forms G327S, G467S.
Identifiers: ClinVar variation 1514931 (VCV001514931.8), dbSNP rs761257173, ClinGen allele CA2857566.

ClinVar aggregate classification (germline): Uncertain significance. Review status: criteria provided, multiple submitters, no conflicts (2 of 4 stars). 2 submissions from 2 submitters: Uncertain significance (2). Last evaluated 2024-09-04.

Allele frequency attached by ClinVar (database versions not stated): ExAC 0.00009.
gnomAD v4.1: 61 of 1,602,520 alleles (0.0038%); highest among the groups gnomAD compares: South Asian, 0.028%; no homozygotes.

Submissions (2):

Blueprint Genetics
Classification: Uncertain significance. Last evaluated: 2024-09-04. Review status: criteria provided, single submitter. Criteria: ACMG Guidelines, 2015. Collection method: clinical testing. Allele origin: germline.

Labcorp Genetics (formerly Invitae), Labcorp
Classification: Uncertain significance. Last evaluated: 2022-02-10. Review status: criteria provided, single submitter. Criteria: Invitae Variant Classification Sherloc (09022015). Collection method: clinical testing. Allele origin: germline.
Comment: In summary, the available evidence is currently insufficient to determine the role of this variant in disease. Therefore, it has been classified as a Variant of Uncertain Significance. Algorithms developed to predict the effect of missense changes on protein structure and function (SIFT, PolyPhen-2, Align-GVGD) all suggest that this variant is likely to be tolerated. This variant has not been reported in the literature in individuals affected with WDR1-related conditions. The frequency data for this variant in the population databases is considered unreliable, as metrics indicate poor data quality at this position in the gnomAD database. This sequence change replaces glycine, which is neutral and non-polar, with serine, which is neutral and polar, at codon 467 of the WDR1 protein (p.Gly467Ser).